The following is an entry in ClinVar:

NM_014049.5(ACAD9):c.346+160G>C

Gene: ACAD9 (acyl-CoA dehydrogenase family member 9; plus strand). Cytogenetic location: 3q21.3.
Variant type: single nucleotide variant.
Coding change: c.346+160G>C on transcript NM_014049.5 (MANE Select); 160 bases into the intron after coding-DNA position 346, G replaced by C.
Molecular consequence: intron variant.
Genome position (GRCh38, 1-based): chr3:128,893,816, G>C. VCF-style: chr3-128893816-G-C. GRCh37 (hg19) VCF-style: chr3-128612659-G-C.
Identifiers: ClinVar variation 677920 (VCV000677920.5), dbSNP rs1680780, ClinGen allele CA11420188.

ClinVar aggregate classification (germline): Benign. Review status: criteria provided, multiple submitters, no conflicts (2 of 4 stars). 3 submissions from 3 submitters: Benign (3). Last evaluated 2021-07-14.

Conditions:
Acyl-CoA dehydrogenase 9 deficiency. Also called: MITOCHONDRIAL COMPLEX I DEFICIENCY, NUCLEAR TYPE 20; Acyl-CoA dehydrogenase family, member 9, deficiency of. Identifiers: Orphanet 99901, MedGen C4747517, MONDO:0012624, OMIM 611126.

Allele frequency attached by ClinVar (database versions not stated): TOPMed 0.42635; 1000 Genomes Project 0.46226; 1000 Genomes Project 30x 0.46440.
gnomAD v4.1: 60,517 of 152,038 alleles (40%); highest among the groups gnomAD compares: African/African-American, 62%; 13,875 homozygotes.

Submissions (3):

Genome-Nilou Lab
Classification: Benign for Acyl-CoA dehydrogenase 9 deficiency. Last evaluated: 2021-07-14. Review status: criteria provided, single submitter. Criteria: ACMG Guidelines, 2015. Collection method: clinical testing. Allele origin: germline. Affected: no.

GeneDx
Classification: Benign. Last evaluated: 2018-06-14. Review status: criteria provided, single submitter. Criteria: GeneDx Variant Classification (06012015). Collection method: clinical testing. Allele origin: germline. Affected: yes.
Comment: This variant is considered likely benign or benign based on one or more of the following criteria: it is a conservative change, it occurs at a poorly conserved position in the protein, it is predicted to be benign by multiple in silico algorithms, and/or has population frequency not consistent with disease.

Breakthrough Genomics
Classification: Benign. Review status: criteria provided, single submitter. Criteria: ACMG Guidelines, 2015. Collection method: not provided. Allele origin: germline. Inheritance: Autosomal recessive inheritance. Affected: yes.